The following is an entry in ClinVar:

NM_152296.5(ATP1A3):c.652T>A (p.Ser218Thr)

Gene: ATP1A3 (ATPase Na+/K+ transporting subunit alpha 3; minus strand). Cytogenetic location: 19q13.2.
Variant type: single nucleotide variant.
Coding change: c.652T>A on transcript NM_152296.5 (MANE Select); coding-DNA position 652, T replaced by A.
Protein change: p.Ser218Thr; replaces serine 218 with threonine.
Molecular consequence: missense variant.
Genome position (GRCh38, 1-based): chr19:41,985,378, A>T on the plus strand (T>A on the coding strand, the complement: ATP1A3 is on the minus strand). VCF-style: chr19-41985378-A-T. GRCh37 (hg19) VCF-style: chr19-42489530-A-T.
Other names: c.685T>A, p.Ser229Thr (NM_001256213.2); c.691T>A, p.Ser231Thr (NM_001256214.2); short protein forms S218T, S229T, S231T.
Identifiers: ClinVar variation 1712781 (VCV001712781.3), dbSNP rs782150714, ClinGen allele CA9467819.
Genomic context (GRCh38, chr19:41,985,378, plus strand): 5'-TGGTGGAAAAGAAGGTGATGTTCCGAGTCTCCAAGGGGTTGTCGTGAGTGCAGTCGGGAG[A>T]GCGAGTCTGGGGCTCGGATTCGCCAGTCAGGGAGGAGTTGTCCACCTGGGGGTAGGTGCA-3'
Protein context (NP_689509.1, residues 208-228): LTGESEPQTR[Ser218Thr]PDCTHDNPLE

ClinVar aggregate classification (germline): Uncertain significance. Review status: criteria provided, multiple submitters, no conflicts (2 of 4 stars). 2 submissions from 2 submitters: Uncertain significance (2). Last evaluated 2025-12-01.

Conditions:
Dystonia 12 (DYT12). Also called: DYT-ATP1A3; Rapid-Onset Dystonia-Parkinsonism (RDP). Identifiers: Orphanet 71517, MedGen C1868681, MONDO:0007496, OMIM 128235.

Allele frequency attached by ClinVar (database versions not stated): ExAC 0.00001; gnomAD exomes 0.00001; TOPMed 0.00001.
gnomAD v4.1: 7 of 1,614,000 alleles (0.00043%); highest among the groups gnomAD compares: Admixed American, 0.0033%; no homozygotes.

Submissions (2):

Labcorp Genetics (formerly Invitae), Labcorp
Classification: Uncertain significance for Dystonia 12. Last evaluated: 2025-12-01. Review status: criteria provided, single submitter. Criteria: Invitae Variant Classification Sherloc (09022015). Collection method: clinical testing. Allele origin: germline.
Comment: This sequence change replaces serine, which is neutral and polar, with threonine, which is neutral and polar, at codon 218 of the ATP1A3 protein (p.Ser218Thr). This variant is present in population databases (rs782150714, gnomAD 0.003%). This variant has not been reported in the literature in individuals affected with ATP1A3-related conditions. ClinVar contains an entry for this variant (Variation ID: 1712781). Invitae Evidence Modeling of protein sequence and biophysical properties (such as structural, functional, and spatial information, amino acid conservation, physicochemical variation, residue mobility, and thermodynamic stability) has been performed for this missense variant. However, the output from this modeling did not meet the statistical confidence thresholds required to predict the impact of this variant on ATP1A3 protein function. In summary, the available evidence is currently insufficient to determine the role of this variant in disease. Therefore, it has been classified as a Variant of Uncertain Significance.

GeneDx
Classification: Uncertain significance. Last evaluated: 2022-04-29. Review status: criteria provided, single submitter. Criteria: GeneDx Variant Classification Process June 2021. Collection method: clinical testing. Allele origin: germline. Affected: yes.
Comment: Not observed at significant frequency in large population cohorts (gnomAD); In silico analysis supports that this missense variant does not alter protein structure/function; Has not been previously published as pathogenic or benign to our knowledge